The following is an entry in ClinVar:

NM_203447.4(DOCK8):c.3134C>T (p.Ala1045Val)

Gene: DOCK8 (dedicator of cytokinesis 8; plus strand). Cytogenetic location: 9p24.3.
Variant type: single nucleotide variant.
Coding change: c.3134C>T on transcript NM_203447.4 (MANE Select); coding-DNA position 3134, C replaced by T.
Protein change: p.Ala1045Val; replaces alanine 1045 with valine.
Molecular consequence: missense variant.
Genome position (GRCh38, 1-based): chr9:399,159, C>T. VCF-style: chr9-399159-C-T. GRCh37 (hg19) VCF-style: chr9-399159-C-T.
Other names: c.2834C>T, p.Ala945Val (NM_001190458.2); c.2930C>T, p.Ala977Val (NM_001193536.2); short protein forms A1045V, A977V, A945V.
Identifiers: ClinVar variation 366966 (VCV000366966.11), dbSNP rs755658263, ClinGen allele CA4958530.
Genomic context (GRCh38, chr9:399,159, plus strand): 5'-ATCCAGAGTGTCCCACAAAATGATTTGGGTGTTTGTTTGTTTTTAAGGAAAATGAACAGG[C>T]GGAAAAGATGAACATCAGCCTGGCTTTCTTCTTGTATGACCTTCTCTCCCTCATGGATCG-3'
Protein context (NP_982272.2, residues 1035-1055): LVKPQKENEQ[Ala1045Val]EKMNISLAFF

ClinVar aggregate classification (germline): Uncertain significance. Review status: criteria provided, multiple submitters, no conflicts (2 of 4 stars). 4 submissions from 4 submitters: Uncertain significance (4). Last evaluated 2024-08-07.

Conditions:
Combined immunodeficiency due to DOCK8 deficiency (HIES2). Also called: HIES autosomal recessive; Hyper-IgE recurrent infection syndrome, autosomal recessive; DOCK8 Deficiency; HYPER-IgE RECURRENT INFECTION SYNDROME 2, AUTOSOMAL RECESSIVE; HYPER-IgE SYNDROME 2, AUTOSOMAL RECESSIVE, WITH RECURRENT INFECTIONS. Identifiers: Orphanet 217390, MedGen C4722305, MONDO:0009478, OMIM 243700.

Allele frequency attached by ClinVar (database versions not stated): gnomAD 0.00011; TOPMed 0.00011.
gnomAD v4.1: 102 of 1,613,700 alleles (0.0063%); highest among the groups gnomAD compares: African/African-American, 0.019%; no homozygotes.

Submissions (4):

Blueprint Genetics
Classification: Uncertain significance. Last evaluated: 2024-08-07. Review status: criteria provided, single submitter. Criteria: ACMG Guidelines, 2015. Collection method: clinical testing. Allele origin: germline.

Labcorp Genetics (formerly Invitae), Labcorp
Classification: Uncertain significance for Combined immunodeficiency due to DOCK8 deficiency. Last evaluated: 2022-08-23. Review status: criteria provided, single submitter. Criteria: Invitae Variant Classification Sherloc (09022015). Collection method: clinical testing. Allele origin: germline.
Comment: This sequence change replaces alanine, which is neutral and non-polar, with valine, which is neutral and non-polar, at codon 1045 of the DOCK8 protein (p.Ala1045Val). This variant is present in population databases (rs755658263, gnomAD 0.02%). This variant has not been reported in the literature in individuals affected with DOCK8-related conditions. ClinVar contains an entry for this variant (Variation ID: 366966). Algorithms developed to predict the effect of missense changes on protein structure and function are either unavailable or do not agree on the potential impact of this missense change (SIFT: "Deleterious"; PolyPhen-2: "Probably Damaging"; Align-GVGD: "Class C0"). Algorithms developed to predict the effect of sequence changes on RNA splicing suggest that this variant may create or strengthen a splice site. In summary, the available evidence is currently insufficient to determine the role of this variant in disease. Therefore, it has been classified as a Variant of Uncertain Significance.

Baylor Genetics
Classification: Uncertain significance for Combined immunodeficiency due to DOCK8 deficiency. Last evaluated: 2020-03-09. Review status: criteria provided, single submitter. Criteria: ACMG Guidelines, 2015. Collection method: clinical testing. Allele origin: unknown. Affected: yes.
Comment: This variant was determined to be of uncertain significance according to ACMG Guidelines, 2015 [PMID:25741868].

Illumina Laboratory Services, Illumina
Classification: Uncertain significance for Combined immunodeficiency due to DOCK8 deficiency. Last evaluated: 2018-01-13. Review status: criteria provided, single submitter. Criteria: ICSL Variant Classification Criteria 13 December 2019. Collection method: clinical testing. Allele origin: germline.